The following is an entry in ClinVar:

NM_001845.6(COL4A1):c.1076G>T (p.Gly359Val)

Gene: COL4A1 (collagen type IV alpha 1 chain; minus strand). Cytogenetic location: 13q34.
Variant type: single nucleotide variant.
Coding change: c.1076G>T on transcript NM_001845.6 (MANE Select); coding-DNA position 1076, G replaced by T.
Protein change: p.Gly359Val; replaces glycine 359 with valine.
Molecular consequence: missense variant.
Genome position (GRCh38, 1-based): chr13:110,201,446, C>A on the plus strand (G>T on the coding strand, the complement: COL4A1 is on the minus strand). VCF-style: chr13-110201446-C-A. GRCh37 (hg19) VCF-style: chr13-110853793-C-A.
Other names: c.1076G>T, p.Gly359Val (NM_001303110.2); short protein forms G359V.
Identifiers: ClinVar variation 2691254 (VCV002691254.5), dbSNP rs2501568764, ClinGen allele CA388724330.
Genomic context (GRCh38, chr13:110,201,446, plus strand): 5'-AGGAGAGAAGGAGGGGGAGTAGGAGGAGGGGGGAAAAAGGCAAGAAAGCTACCTTTTGGG[C>A]CTGGCTCTCCTCTTGGCCCCGGAGTTCCAGGGTAGCCCCTCTCTCCTTTTTCTCCCAAAG-3'
Protein context (NP_001836.3, residues 349-369): PGTPGPRGEP[Gly359Val]PKGFPGLPGQ

ClinVar aggregate classification (germline): Likely pathogenic. Review status: criteria provided, multiple submitters, no conflicts (2 of 4 stars). 2 submissions from 2 submitters: Likely pathogenic (2). Last evaluated 2023-07-17.

Conditions:
Brain small vessel disease 1 with or without ocular anomalies (BSVD1). Also called: Brain small vessel disease with or without ocular anomalies; GOULD SYNDROME 1; BRAIN SMALL VESSEL DISEASE WITH HEMORRHAGE; PORENCEPHALY, TYPE 1, AUTOSOMAL DOMINANT. Identifiers: Orphanet 2940, Orphanet 36383, Orphanet 99810, MedGen C4755307, MONDO:0008289, OMIM 175780.

Submissions (2):

Gemeinschaftspraxis fuer Humangenetik Dresden
Classification: Likely pathogenic for Brain small vessel disease 1 with or without ocular anomalies. Last evaluated: 2023-07-17. Review status: criteria provided, single submitter. Criteria: ACMG Guidelines, 2015. Collection method: clinical testing. Allele origin: germline. Inheritance: Autosomal dominant inheritance. Affected: no.
Comment: This variant is not reported in HGMD 2023.2, gnomAD (v2.1.1), dbSNP (v155) or LOVD (we submitted there) so far. The nucleotide position is moderat and aminoacid position is highly conservered, prediction (SIFT, PolyPhen-2, MutationTaster2021, AGVGD and REVEL) support a deleterious effect on the gene. In summary, the variant meets our criteria to be classified as likely pathogenic. ACMG: PM2, PP2, PP3str

Labcorp Genetics (formerly Invitae), Labcorp
Classification: Likely pathogenic. Last evaluated: 2022-12-14. Review status: criteria provided, single submitter. Criteria: Invitae Variant Classification Sherloc (09022015). Collection method: clinical testing. Allele origin: germline.
Comment: In summary, the currently available evidence indicates that the variant is pathogenic, but additional data are needed to prove that conclusively. Therefore, this variant has been classified as Likely Pathogenic. This variant disrupts the triple helix domain of COL4A1. Glycine residues within the Gly-Xaa-Yaa repeats of the triple helix domain are required for the structure and stability of fibrillar collagens (PMID: 7695699, 8218237, 19344236). In COL4A1 variants affecting these glycine residues are significantly enriched in individuals with disease (PMID: 9016532, 17078022) compared to the general population (ExAC). Advanced modeling of protein sequence and biophysical properties (such as structural, functional, and spatial information, amino acid conservation, physicochemical variation, residue mobility, and thermodynamic stability) performed at Invitae indicates that this missense variant is expected to disrupt COL4A1 protein function. This variant has not been reported in the literature in individuals affected with COL4A1-related conditions. This variant is not present in population databases (gnomAD no frequency). This sequence change replaces glycine, which is neutral and non-polar, with valine, which is neutral and non-polar, at codon 359 of the COL4A1 protein (p.Gly359Val).

Literature cited by the submitters: PubMed 7695699 (cited by Labcorp Genetics (formerly Invitae), Labcorp); PubMed 8218237 (cited by Labcorp Genetics (formerly Invitae), Labcorp); PubMed 19344236 (cited by Labcorp Genetics (formerly Invitae), Labcorp); PubMed 9016532 (cited by Labcorp Genetics (formerly Invitae), Labcorp); PubMed 17078022 (cited by Labcorp Genetics (formerly Invitae), Labcorp).